The following is an entry in ClinVar:

ClinVar aggregate classification (germline): Conflicting classifications of pathogenicity. Review status: criteria provided, conflicting classifications (1 of 4 stars). 2 submissions from 2 submitters: Uncertain significance (1); Likely benign (1). Last evaluated 2025-08-08.

Allele frequency attached by ClinVar (database versions not stated): ExAC 0.00056; gnomAD 0.00188; ESP Exome Variant Server 0.00201; TOPMed 0.00225; 1000 Genomes Project 0.00240; 1000 Genomes Project 30x 0.00265.
gnomAD v4.1: 540 of 1,613,804 alleles (0.033%); highest among the groups gnomAD compares: African/African-American, 0.67%; 2 homozygotes.

Submissions (2):

Ambry Genetics
Classification: Uncertain significance. Last evaluated: 2025-08-08. Review status: criteria provided, single submitter. Criteria: Ambry Variant Classification Scheme 2023. Collection method: clinical testing. Allele origin: germline.

CeGaT Center for Human Genetics Tuebingen
Classification: Likely benign. Last evaluated: 2023-04-01. Review status: criteria provided, single submitter. Criteria: CeGaT Center For Human Genetics Tuebingen Variant Classification Criteria Version 2. Collection method: clinical testing. Allele origin: germline. Affected: yes. Observed: 1 variant allele.
Comment: SPATA31D1: BS2

NM_001001670.3(SPATA31D1):c.3607C>A (p.Gln1203Lys)

Gene: SPATA31D1 (SPATA31 subfamily D member 1; plus strand). Cytogenetic location: 9q21.32.
Variant type: single nucleotide variant.
Coding change: c.3607C>A on transcript NM_001001670.3 (MANE Select); coding-DNA position 3607, C replaced by A.
Protein change: p.Gln1203Lys; replaces glutamine 1203 with lysine.
Molecular consequence: missense variant.
Genome position (GRCh38, 1-based): chr9:81,994,077, C>A. VCF-style: chr9-81994077-C-A. GRCh37 (hg19) VCF-style: chr9-84608992-C-A.
Other names: c.3607C>A (NM_001001670.2); short protein forms Q1203K.
Identifiers: ClinVar variation 2659278 (VCV002659278.25), dbSNP rs139638496, ClinGen allele CA5099559.
Genomic context (GRCh38, chr9:81,994,077, plus strand): 5'-GAAATTTTCCCACCAAGAATATCAGTTCCTCAAGATCCTAAATCATCATACCTTAAAAAT[C>A]AGATGTTGAGCCAGTTAAAGTTGGTCCAGAGGAAGCATAGCCAACCTCAGAGCCATTTCA-3'
Protein context (NP_001001670.1, residues 1193-1213): QDPKSSYLKN[Gln1203Lys]MLSQLKLVQR